The following is an entry in ClinVar:

ClinVar aggregate classification (germline): Uncertain significance (1 of 4 stars; one submission).

Submission:

GeneDx
Classification: Uncertain significance. Last evaluated: 2026-01-25. Review status: criteria provided, single submitter. Criteria: GeneDx Variant Classification Process June 2021. Collection method: clinical testing. Allele origin: germline.
Comment: Not observed at significant frequency in large population cohorts (gnomAD); In silico analysis supports that this missense variant has a deleterious effect on protein structure/function; Has not been previously published as pathogenic or benign to our knowledge

NM_000334.4(SCN4A):c.3224T>A (p.Ile1075Asn)

Genes: GH-LCR (growth hormone locus control region; plus strand), SCN4A (sodium voltage-gated channel alpha subunit 4; minus strand). Cytogenetic location: 17q23.3.
Variant type: single nucleotide variant.
Coding change: c.3224T>A on transcript NM_000334.4 (MANE Select); coding-DNA position 3224, T replaced by A.
Protein change: p.Ile1075Asn; replaces isoleucine 1075 with asparagine.
Molecular consequence: missense variant.
Genome position (GRCh38, 1-based): chr17:63,947,984, A>T on the plus strand (T>A on the coding strand, the complement: SCN4A is on the minus strand). VCF-style: chr17-63947984-A-T. GRCh37 (hg19) VCF-style: chr17-62025344-A-T.
Other names: short protein forms I1075N.
Identifiers: ClinVar variation 4686738 (VCV004686738.2).